The following is an entry in ClinVar:

ClinVar aggregate classification (germline): Uncertain significance (1 of 4 stars; one submission).

Conditions:
Hereditary sensory neuropathy-deafness-dementia syndrome. Also called: NEUROPATHY, HEREDITARY SENSORY, WITH HEARING LOSS AND DEMENTIA; Hereditary Sensory and Autonomic Neuropathy Type 1E (HSAN1E); Hereditary sensory neuropathy type IE; HSN IE. Identifiers: Orphanet 456318, MedGen C3279885, MONDO:0013584, OMIM 614116.

Submission:

Labcorp Genetics (formerly Invitae), Labcorp
Classification: Uncertain significance for Hereditary sensory neuropathy-deafness-dementia syndrome. Last evaluated: 2019-05-27. Review status: criteria provided, single submitter. Criteria: Invitae Variant Classification Sherloc (09022015). Collection method: clinical testing. Allele origin: germline.
Comment: In summary, the available evidence is currently insufficient to determine the role of this variant in disease. Therefore, it has been classified as a Variant of Uncertain Significance. The current clinical and genetic evidence is not sufficient to establish whether loss-of-function variants in DNMT1 cause disease. Algorithms developed to predict the effect of sequence changes on RNA splicing suggest that this variant may disrupt the consensus splice site, but this prediction has not been confirmed by published transcriptional studies. This variant has not been reported in the literature in individuals with DNMT1-related conditions. This variant is not present in population databases (ExAC no frequency). This sequence change affects a donor splice site in intron 19 of the DNMT1 gene. It is expected to disrupt RNA splicing and likely results in an absent or disrupted protein product.

NM_001130823.3(DNMT1):c.1492+1G>A

Gene: DNMT1 (DNA methyltransferase 1; minus strand). Cytogenetic location: 19p13.2.
Variant type: single nucleotide variant.
Coding change: c.1492+1G>A on transcript NM_001130823.3 (MANE Select); the canonical splice donor site of the intron after coding-DNA position 1492, G replaced by A.
Molecular consequence: splice donor variant.
Genome position (GRCh38, 1-based): chr19:10,155,852, C>T on the plus strand (G>A on the coding strand, the complement: DNMT1 is on the minus strand). VCF-style: chr19-10155852-C-T. GRCh37 (hg19) VCF-style: chr19-10266528-C-T.
Other names: c.1129+1G>A (NM_001318731.2); c.1444+1G>A (NM_001379.4, NM_001318730.2).
Identifiers: ClinVar variation 858959 (VCV000858959.8), dbSNP rs2038447183, ClinGen allele CA403937066.